The following is an entry in ClinVar:

ClinVar aggregate classification (germline): Conflicting classifications of pathogenicity. Review status: criteria provided, conflicting classifications (1 of 4 stars). 2 submissions from 2 submitters: Uncertain significance (1); Likely benign (1). Last evaluated 2025-05-19.

Allele frequency attached by ClinVar (database versions not stated): gnomAD 0.00002; TOPMed 0.00002; ExAC 0.00003; 1000 Genomes Project 30x 0.00031.
gnomAD v4.1: 16 of 1,614,204 alleles (0.00099%); highest among the groups gnomAD compares: Admixed American, 0.012%; no homozygotes.

Submissions (2):

Ambry Genetics
Classification: Uncertain significance. Last evaluated: 2025-05-19. Review status: criteria provided, single submitter. Criteria: Ambry Variant Classification Scheme 2023. Collection method: clinical testing. Allele origin: germline.

CeGaT Center for Human Genetics Tuebingen
Classification: Likely benign. Last evaluated: 2024-01-01. Review status: criteria provided, single submitter. Criteria: CeGaT Center For Human Genetics Tuebingen Variant Classification Criteria Version 2. Collection method: clinical testing. Allele origin: germline. Affected: yes. Observed: 1 variant allele.
Comment: ERMARD: BP4, BS2

NM_018341.3(ERMARD):c.1634G>A (p.Arg545His)

Gene: ERMARD (ER membrane associated RNA degradation; plus strand). Cytogenetic location: 6q27.
Variant type: single nucleotide variant.
Coding change: c.1634G>A on transcript NM_018341.3 (MANE Select); coding-DNA position 1634, G replaced by A.
Protein change: p.Arg545His; replaces arginine 545 with histidine.
Molecular consequence: missense variant. On other transcripts: intron variant (2).
Genome position (GRCh38, 1-based): chr6:169,776,568, G>A. VCF-style: chr6-169776568-G-A. GRCh37 (hg19) VCF-style: chr6-170176664-G-A.
Other names: c.1634G>A (NM_018341.1); c.1256G>A, p.Arg419His (NM_001278532.2); c.1226G>A, p.Arg409His (NM_001410957.1); c.1598+157G>A (NM_001278531.2); c.1520+503G>A (NM_001278533.2); short protein forms R409H, R419H, R545H.
Identifiers: ClinVar variation 3025585 (VCV003025585.22), dbSNP rs201722909, ClinGen allele CA4106366.